The following is an entry in ClinVar:

ClinVar aggregate classification (germline): Conflicting classifications of pathogenicity. Review status: criteria provided, conflicting classifications (1 of 4 stars). 3 submissions from 3 submitters: Uncertain significance (2); Likely benign (1). Last evaluated 2025-08-10.

Conditions:
Ghosal hematodiaphyseal dysplasia. Also called: Ghosal hematodiaphyseal syndrome. Identifiers: Orphanet 1802, MedGen C1856465, MONDO:0009274, OMIM 231095.

Allele frequency attached by ClinVar (database versions not stated): TOPMed 0.00028; ExAC 0.00033; gnomAD exomes 0.00033; ESP Exome Variant Server 0.00054.
gnomAD v4.1: 773 of 1,614,046 alleles (0.048%); highest among the groups gnomAD compares: Non-Finnish European, 0.06%; no homozygotes.

Submissions (4):

Labcorp Genetics (formerly Invitae), Labcorp
Classification: Likely benign. Last evaluated: 2025-08-10. Review status: criteria provided, single submitter. Criteria: Invitae Variant Classification Sherloc (09022015). Collection method: clinical testing. Allele origin: germline.

Women's Health and Genetics/Laboratory Corporation of America, LabCorp
Classification: Uncertain significance. Last evaluated: 2024-01-18. Review status: criteria provided, single submitter. Criteria: LabCorp Variant Classification Summary - May 2015. Collection method: clinical testing. Allele origin: germline.
Comment: Variant summary: TBXAS1 c.734A>G (p.Asn245Ser) results in a conservative amino acid change in the encoded protein sequence. Four of five in-silico tools predict a benign effect of the variant on protein function. The variant allele was found at a frequency of 0.00033 in 251484 control chromosomes. To our knowledge, no occurrence of c.734A>G in individuals affected with Ghosal Hematodiaphyseal Dysplasia and no experimental evidence demonstrating its impact on protein function have been reported. ClinVar contains an entry for this variant (Variation ID: 1575649). Based on the evidence outlined above, the variant was classified as uncertain significance.

MGZ Medical Genetics Center
Classification: Uncertain significance for Ghosal hematodiaphyseal dysplasia. Last evaluated: 2021-11-25. Review status: criteria provided, single submitter. Criteria: ACMG Guidelines, 2015. Collection method: clinical testing. Allele origin: germline. Affected: yes. Observed: 1 variant allele.
Comment: ACMG criteria applied: PM2_SUP, BP4

Dr. Peter K. Rogan Lab, Western University
No classification provided (evidence only). Condition: Ovarian serous cystadenocarcinoma. Review status: no classification provided. Collection method: in vitro. Allele origin: not applicable. Functional consequence: retained intron. Not counted in ClinVar's aggregate classification.

NM_001061.7(TBXAS1):c.734A>G (p.Asn245Ser)

Gene: TBXAS1 (thromboxane A synthase 1; plus strand). Cytogenetic location: 7q34.
Variant type: single nucleotide variant.
Coding change: c.734A>G on transcript NM_001061.7 (MANE Select); coding-DNA position 734, A replaced by G.
Protein change: p.Asn245Ser; replaces asparagine 245 with serine.
Molecular consequence: missense variant.
Genome position (GRCh38, 1-based): chr7:139,957,679, A>G. VCF-style: chr7-139957679-A-G. GRCh37 (hg19) VCF-style: chr7-139657478-A-G.
Other names: c.734A>G, p.Asn245Ser (NM_001130966.5, NM_030984.6); c.872A>G, p.Asn291Ser (NM_001166253.4); c.533A>G, p.Asn178Ser (NM_001166254.4); c.677A>G, p.Asn226Ser (NM_001314028.4); c.551A>G, p.Asn184Ser (NM_001366537.3); short protein forms N178S, N184S, N226S, N245S, N291S.
Identifiers: ClinVar variation 1575649 (VCV001575649.12), dbSNP rs55856189, ClinGen allele CA4511792.